The following is an entry in ClinVar:

ClinVar aggregate classification (germline): Uncertain significance (1 of 4 stars; one submission).

Conditions:
Pyridoxine-dependent epilepsy (EPEO4). Also called: Pyridoxine-Dependent Seizures; Pyridoxine-Dependent Epilepsy - ALDH7A1; PYRIDOXINE DEPENDENCY WITH SEIZURES; EPILEPSY, EARLY-ONSET, 4, VITAMIN B6-DEPENDENT. Identifiers: Orphanet 3006, MedGen C1849508, MONDO:0009945, OMIM 266100. Disease mechanism: loss of function.

Submission:

Labcorp Genetics (formerly Invitae), Labcorp
Classification: Uncertain significance for Pyridoxine-dependent epilepsy. Last evaluated: 2024-10-15. Review status: criteria provided, single submitter. Criteria: Invitae Variant Classification Sherloc (09022015). Collection method: clinical testing. Allele origin: germline.
Comment: This sequence change falls in intron 2 of the ALDH7A1 gene. It does not directly change the encoded amino acid sequence of the ALDH7A1 protein. It affects a nucleotide within the consensus splice site. The frequency data for this variant in the population databases is considered unreliable, as metrics indicate poor data quality at this position in the gnomAD database. This variant has not been reported in the literature in individuals affected with ALDH7A1-related conditions. Variants that disrupt the consensus splice site are a relatively common cause of aberrant splicing (PMID: 17576681, 9536098). Algorithms developed to predict the effect of sequence changes on RNA splicing suggest that this variant is not likely to affect RNA splicing. In summary, the available evidence is currently insufficient to determine the role of this variant in disease. Therefore, it has been classified as a Variant of Uncertain Significance.

Literature cited by the submitters: PubMed 17576681; PubMed 9536098.

NM_001182.5(ALDH7A1):c.246+6_246+7del

Gene: ALDH7A1 (aldehyde dehydrogenase 7 family member A1; minus strand). Cytogenetic location: 5q23.2.
Variant type: Microsatellite.
Coding change: c.246+6_246+7del on transcript NM_001182.5 (MANE Select); bases 6 to 7 of the intron after coding-DNA position 246, 2 bases deleted (AG; older notation c.246+6_246+7delAG).
Molecular consequence: intron variant.
Genome position (GRCh38, 1-based): chr5:126,593,344-126,593,345, CT deleted on the plus strand (AG on the coding strand, the reverse complement: ALDH7A1 is on the minus strand); deleting any 2 consecutive bases within chr5:126,593,344-126,593,347 gives the same sequence; the c. name uses the placement nearest the transcript's 3' end. VCF-style (leftmost placement, unchanged base first): chr5-126593343-ACT-A. GRCh37 (hg19) VCF-style: chr5-125929035-ACT-A.
Other names: c.246+6_246+7del (NM_001202404.2); c.162+6_162+7del (NM_001201377.2).
Identifiers: ClinVar variation 1046221 (VCV001046221.8), dbSNP rs1554101757, ClinGen allele CA3389851.